The following is an entry in ClinVar:

NM_033337.3(CAV3):c.163G>A (p.Asp55Asn)

Genes: CAV3 (caveolin 3; plus strand), OXTR (oxytocin receptor; minus strand). Cytogenetic location: 3p25.3.
Variant type: single nucleotide variant.
Coding change: c.163G>A on transcript NM_033337.3 (MANE Select); coding-DNA position 163, G replaced by A.
Protein change: p.Asp55Asn; replaces aspartic acid 55 with asparagine.
Molecular consequence: missense variant.
Genome position (GRCh38, 1-based): chr3:8,745,574, G>A. VCF-style: chr3-8745574-G-A. GRCh37 (hg19) VCF-style: chr3-8787260-G-A.
Other names: c.163G>A, p.Asp55Asn (NM_001234.5); short protein forms D55N.
Identifiers: ClinVar variation 2418634 (VCV002418634.6), dbSNP rs774007619, ClinGen allele CA351663205.

ClinVar aggregate classification (germline): Uncertain significance (1 of 4 stars; one submission).

Conditions:
Long QT syndrome (LQTS). Identifiers: MedGen C0023976, MeSH D008133, MONDO:0002442. Disease mechanism: loss of function. Inheritance: Various modes of inheritance.

Allele frequency attached by ClinVar (database versions not stated): TOPMed below 0.00001; gnomAD 0.00001.
gnomAD v4.1: 4 of 1,614,054 alleles (0.00025%); highest among the groups gnomAD compares: Admixed American, 0.0033%; no homozygotes.

Submission:

Labcorp Genetics (formerly Invitae), Labcorp
Classification: Uncertain significance for Long QT syndrome. Last evaluated: 2022-04-15. Review status: criteria provided, single submitter. Criteria: Invitae Variant Classification Sherloc (09022015). Collection method: clinical testing. Allele origin: germline.
Comment: In summary, the available evidence is currently insufficient to determine the role of this variant in disease. Therefore, it has been classified as a Variant of Uncertain Significance. Algorithms developed to predict the effect of missense changes on protein structure and function are either unavailable or do not agree on the potential impact of this missense change (SIFT: "Deleterious"; PolyPhen-2: "Probably Damaging"; Align-GVGD: "Class C15"). This variant has not been reported in the literature in individuals affected with CAV3-related conditions. The frequency data for this variant in the population databases is considered unreliable, as metrics indicate poor data quality at this position in the gnomAD database. This sequence change replaces aspartic acid, which is acidic and polar, with asparagine, which is neutral and polar, at codon 55 of the CAV3 protein (p.Asp55Asn).